The following is an entry in ClinVar:

NM_021969.3(NR0B2):c.50G>A (p.Arg17His)

Genes: NR0B2 (nuclear receptor subfamily 0 group B member 2; minus strand), NUDC (nuclear distribution C, dynein complex regulator; plus strand). Cytogenetic location: 1p36.11.
Variant type: single nucleotide variant.
Coding change: c.50G>A on transcript NM_021969.3 (MANE Select); coding-DNA position 50, G replaced by A.
Protein change: p.Arg17His; replaces arginine 17 with histidine.
Molecular consequence: missense variant.
Genome position (GRCh38, 1-based): chr1:26,913,891, C>T on the plus strand (G>A on the coding strand, the complement: NR0B2 is on the minus strand). VCF-style: chr1-26913891-C-T. GRCh37 (hg19) VCF-style: chr1-27240382-C-T.
Other names: short protein forms R17H.
Identifiers: ClinVar variation 2633233 (VCV002633233.3), dbSNP rs374850240, ClinGen allele CA709743.
Genomic context (GRCh38, chr1:26,913,891, plus strand): 5'-CTACGGGGTCGGGGGACAGCCTTGAGGCTGGAGCTCAGAAGTGCGTAGAGAATGGCGGGG[C>T]GGCTTGCAGCTCCCTGGCATGGGCAGGCCCCTGGTTGGCTGGTGCTCATGGTTAGGGATC-3'
Protein context (NP_068804.1, residues 7-27): GACPCQGAAS[Arg17His]PAILYALLSS

ClinVar aggregate classification (germline): Uncertain significance (0 of 4 stars; one submission).

Conditions:
NR0B2-related disorder. Also called: NR0B2-related condition.

Allele frequency attached by ClinVar (database versions not stated): gnomAD 0.00007; ESP Exome Variant Server 0.00008; TOPMed 0.00008.
gnomAD v4.1: 43 of 1,480,626 alleles (0.0029%); highest among the groups gnomAD compares: African/African-American, 0.0056%; no homozygotes.

Submission:

PreventionGenetics, part of Exact Sciences
Classification: Uncertain significance for NR0B2-related condition. Last evaluated: 2023-11-30. Review status: no assertion criteria provided. Collection method: clinical testing. Allele origin: germline.
Comment: The NR0B2 c.50G>A variant is predicted to result in the amino acid substitution p.Arg17His. This variant was reported in a patient with nonsyndromic monogentic obesity (Shi et al. 2023. PubMed ID: 37083215). This variant is reported in 0.0086% of alleles in individuals of African descent in gnomAD. At this time, the clinical significance of this variant is uncertain due to the absence of conclusive functional and genetic evidence.